The following is an entry in ClinVar:

ClinVar aggregate classification (germline): Uncertain significance. Review status: criteria provided, multiple submitters, no conflicts (2 of 4 stars). 3 submissions from 3 submitters: Uncertain significance (3). Last evaluated 2022-07-12.

Conditions:
Transcobalamin II deficiency (TCN2D). Also called: Transcolabamin II deficiency; TC II DEFICIENCY; TCN2 DEFICIENCY. Identifiers: Orphanet 859, MedGen C0342701, MONDO:0010149, OMIM 275350.

Allele frequency attached by ClinVar (database versions not stated): TOPMed 0.00001; gnomAD 0.00002 and 0.00004.
gnomAD v4.1: 16 of 1,614,192 alleles (0.00099%); highest among the groups gnomAD compares: African/African-American, 0.015%; no homozygotes.

Submissions (3):

Labcorp Genetics (formerly Invitae), Labcorp
Classification: Uncertain significance for Transcobalamin II deficiency. Last evaluated: 2022-07-12. Review status: criteria provided, single submitter. Criteria: Invitae Variant Classification Sherloc (09022015). Collection method: clinical testing. Allele origin: germline.
Comment: This sequence change replaces leucine, which is neutral and non-polar, with phenylalanine, which is neutral and non-polar, at codon 4 of the TCN2 protein (p.Leu4Phe). This variant is present in population databases (rs572942248, gnomAD no frequency). This variant has not been reported in the literature in individuals affected with TCN2-related conditions. ClinVar contains an entry for this variant (Variation ID: 618417). Algorithms developed to predict the effect of missense changes on protein structure and function output the following: SIFT: "Deleterious"; PolyPhen-2: "Probably Damaging"; Align-GVGD: "Class C0". The phenylalanine amino acid residue is found in multiple mammalian species, which suggests that this missense change does not adversely affect protein function. In summary, the available evidence is currently insufficient to determine the role of this variant in disease. Therefore, it has been classified as a Variant of Uncertain Significance.

ARUP Laboratories, Molecular Genetics and Genomics, ARUP Laboratories
Classification: Uncertain significance. Last evaluated: 2017-08-01. Review status: criteria provided, single submitter. Criteria: ARUP Molecular Germline Variant Investigation Process. Collection method: clinical testing. Allele origin: germline.
Comment: The variant p.Leu4Phe (rs572942248) has not been reported in the medical literature, gene specific variation databases, nor has it been previously identified by our laboratory. This variant is listed in the Genome Aggregation Database (gnomAD) with an overall population frequency of 0.003 percent (identified on 1 out of 30,968 chromosomes). The leucine at position 4 is highly conserved considering eleven species (Alamut v2.9.0) and computational analyses of the effects of the p.Leu4Phe variant on protein structure and function indicates conflicting results (SIFT: damaging, MutationTaster: polymorphism, PolyPhen-2: benign). Altogether, there is not enough evidence to classify the p.Leu4Phe variant with certainty.

UNC Molecular Genetics  Laboratory, University of North Carolina at Chapel Hill
Classification: Uncertain significance for Transcolabamin II deficiency. Review status: criteria provided, single submitter. Criteria: ACMG Guidelines, 2015. Collection method: research. Allele origin: germline. Observed: 1 variant allele. Study: CSER_NCGENES_2.
Comment: The TCN2 c.10C>T [p.Leu4Phe] missense variant is predicted to change a single amino acid. This variant has not been reported previously in the literature and is considered a variant of uncertain clinical significance.

NM_000355.4(TCN2):c.10C>T (p.Leu4Phe)

Genes: TCN2 (transcobalamin 2; plus strand), LOC121853040 (Sharpr-MPRA regulatory region 10016; plus strand). Cytogenetic location: 22q12.2.
Variant type: single nucleotide variant.
Coding change: c.10C>T on transcript NM_000355.4 (MANE Select); coding-DNA position 10, C replaced by T.
Protein change: p.Leu4Phe; replaces leucine 4 with phenylalanine.
Molecular consequence: missense variant.
Genome position (GRCh38, 1-based): chr22:30,607,341, C>T. VCF-style: chr22-30607341-C-T. GRCh37 (hg19) VCF-style: chr22-31003328-C-T.
Other names: c.10C>T, p.Leu4Phe (NM_001184726.2); short protein forms L4F.
Identifiers: ClinVar variation 618417 (VCV000618417.15), dbSNP rs572942248, ClinGen allele CA323225052.
Genomic context (GRCh38, chr22:30,607,341, plus strand): 5'-CCCAGGAGTCTTTCCCGATTCTTGCTCACTGCTCACCCACCTGCTGCTGCCATGAGGCAC[C>T]TTGGGGCCTTCCTCTTCCTTCTGGGGGTCCTGGGGGCCCTCACTGAGATGTGTGGTGAGT-3'
Protein context (NP_000346.2, residues 1-14): MRH[Leu4Phe]GAFLFLLGVL